The following is an entry in ClinVar:

NM_019066.5(MAGEL2):c.1312C>T (p.Arg438Cys)

Gene: MAGEL2 (MAGE family member L2; minus strand). Cytogenetic location: 15q11.2.
Variant type: single nucleotide variant.
Coding change: c.1312C>T on transcript NM_019066.5 (MANE Select); coding-DNA position 1312, C replaced by T.
Protein change: p.Arg438Cys; replaces arginine 438 with cysteine.
Molecular consequence: missense variant.
Genome position (GRCh38, 1-based): chr15:23,646,431, G>A on the plus strand (C>T on the coding strand, the complement: MAGEL2 is on the minus strand). VCF-style: chr15-23646431-G-A. GRCh37 (hg19) VCF-style: chr15-23891578-G-A.
Other names: short protein forms R438C.
Identifiers: ClinVar variation 4885890 (VCV004885890.2).

ClinVar aggregate classification (germline): Uncertain significance (1 of 4 stars; one submission).

gnomAD v4.1: 4 of 1,414,578 alleles (0.00028%); highest among the groups gnomAD compares: Non-Finnish European, 0.00037%; no homozygotes.

Submission:

Dasa
Classification: Uncertain significance. Last evaluated: 2026-04-04. Review status: criteria provided, single submitter. Criteria: DASA Assertion Criteria. Collection method: clinical testing. Allele origin: germline.
Comment: NM_019066.5(MAGEL2):c.1312C>T (p.Arg438Cys) is a missense variant that results in the substitution of arginine with cysteine. This variant is rare in population databases. The currently available literature and clinical evidence are not sufficient to establish a definitive association between this variant and the reported condition. Therefore, this variant is classified as a variant of uncertain significance.